The following is an entry in ClinVar:

ClinVar aggregate classification (germline): Uncertain significance (1 of 4 stars; one submission).

Conditions:
POLD1-related polyposis and colorectal cancer syndrome (CRCS10). Also called: Colorectal cancer 10; COLORECTAL CANCER, SUSCEPTIBILITY TO, ON CHROMOSOME 19q; Colorectal cancer, susceptibility to, 10. Identifiers: Orphanet 220460, MedGen C2675481, MONDO:0012953, OMIM 612591.

Submission:

Labcorp Genetics (formerly Invitae), Labcorp
Classification: Uncertain significance for POLD1-related polyposis and colorectal cancer syndrome. Last evaluated: 2024-03-17. Review status: criteria provided, single submitter. Criteria: Invitae Variant Classification Sherloc (09022015). Collection method: clinical testing. Allele origin: germline.
Comment: This sequence change falls in intron 24 of the POLD1 gene. It does not directly change the encoded amino acid sequence of the POLD1 protein. It affects a nucleotide within the consensus splice site. This variant is not present in population databases (gnomAD no frequency). This variant has not been reported in the literature in individuals affected with POLD1-related conditions. Variants that disrupt the consensus splice site are a relatively common cause of aberrant splicing (PMID: 17576681, 9536098). RNA analysis performed to evaluate the impact of this variant on mRNA splicing indicates it does not significantly alter splicing (Invitae). In summary, the available evidence is currently insufficient to determine the role of this variant in disease. Therefore, it has been classified as a Variant of Uncertain Significance.

Literature cited by the submitters: PubMed 17576681; PubMed 9536098.

NM_002691.4(POLD1):c.3068-3C>A

Gene: POLD1 (DNA polymerase delta 1, catalytic subunit; plus strand). Cytogenetic location: 19q13.33.
Variant type: single nucleotide variant.
Coding change: c.3068-3C>A on transcript NM_002691.4 (MANE Select); 3 bases into the intron before coding-DNA position 3068, C replaced by A.
Molecular consequence: intron variant.
Genome position (GRCh38, 1-based): chr19:50,417,042, C>A. VCF-style: chr19-50417042-C-A. GRCh37 (hg19) VCF-style: chr19-50920299-C-A.
Other names: c.3068-3C>A (NM_001256849.1); c.3146-3C>A (NM_001308632.1).
Identifiers: ClinVar variation 3646431 (VCV003646431.2).